The following is an entry in ClinVar:

ClinVar aggregate classification (germline): Uncertain significance (1 of 4 stars; one submission).

Allele frequency attached by ClinVar (database versions not stated): gnomAD exomes below 0.00001; ExAC 0.00001.
gnomAD v4.1: 5 of 1,614,248 alleles (0.00031%); highest among the groups gnomAD compares: South Asian, 0.0011%; no homozygotes.

Submission:

Labcorp Genetics (formerly Invitae), Labcorp
Classification: Uncertain significance. Last evaluated: 2024-02-24. Review status: criteria provided, single submitter. Criteria: Invitae Variant Classification Sherloc (09022015). Collection method: clinical testing. Allele origin: germline.
Comment: This sequence change replaces glutamic acid, which is acidic and polar, with alanine, which is neutral and non-polar, at codon 485 of the CLCC1 protein (p.Glu485Ala). This variant is present in population databases (rs770532831, gnomAD 0.0009%). This variant has not been reported in the literature in individuals affected with CLCC1-related conditions. ClinVar contains an entry for this variant (Variation ID: 1022715). An algorithm developed to predict the effect of missense changes on protein structure and function (PolyPhen-2) suggests that this variant is likely to be disruptive. In summary, the available evidence is currently insufficient to determine the role of this variant in disease. Therefore, it has been classified as a Variant of Uncertain Significance.

NM_001377458.1(CLCC1):c.1454A>C (p.Glu485Ala)

Gene: CLCC1 (chloride channel CLIC like 1; minus strand). Cytogenetic location: 1p13.3.
Variant type: single nucleotide variant.
Coding change: c.1454A>C on transcript NM_001377458.1 (MANE Select); coding-DNA position 1454, A replaced by C.
Protein change: p.Glu485Ala; replaces glutamic acid 485 with alanine.
Molecular consequence: missense variant. On other transcripts: non-coding transcript variant (1).
Genome position (GRCh38, 1-based): chr1:108,934,872, T>G on the plus strand (A>C on the coding strand, the complement: CLCC1 is on the minus strand). VCF-style: chr1-108934872-T-G. GRCh37 (hg19) VCF-style: chr1-109477494-T-G.
Other names: c.1454A>C, p.Glu485Ala (NM_001048210.3, NM_001377459.1, NM_001377460.1 and 8 more transcripts); c.1091A>C, p.Glu364Ala (NM_001278202.2); c.899A>C, p.Glu300Ala (NM_001278203.1); c.1352A>C, p.Glu451Ala (NM_001377469.1); c.1163A>C, p.Glu388Ala (NM_001377470.1); c.1304A>C, p.Glu435Ala (NM_015127.5); short protein forms E300A, E364A, E388A, E435A, E451A, E485A.
Identifiers: ClinVar variation 1022715 (VCV001022715.7), dbSNP rs770532831, ClinGen allele CA983324.